The following is an entry in ClinVar:

NM_001387690.1(KATNAL2):c.545G>A (p.Arg182Gln)

Gene: KATNAL2 (katanin catalytic subunit A1 like 2; plus strand). Cytogenetic location: 18q21.1.
Variant type: single nucleotide variant.
Coding change: c.545G>A on transcript NM_001387690.1 (MANE Select); coding-DNA position 545, G replaced by A.
Protein change: p.Arg182Gln; replaces arginine 182 with glutamine.
Molecular consequence: missense variant. On other transcripts: non-coding transcript variant (1).
Genome position (GRCh38, 1-based): chr18:47,059,650, G>A. VCF-style: chr18-47059650-G-A. GRCh37 (hg19) VCF-style: chr18-44586021-G-A.
Other names: c.623G>A, p.Arg208Gln (NM_001353899.1, NM_001353902.1); c.620G>A, p.Arg207Gln (NM_001353900.1); c.545G>A, p.Arg182Gln (NM_001353901.1, NM_001367621.1); c.212G>A, p.Arg71Gln (NM_001353903.1, NM_001353904.1, NM_001353905.1 and 4 more transcripts); c.329G>A, p.Arg110Gln (NM_031303.3); short protein forms R110Q, R71Q, R182Q, R207Q, R208Q.
Identifiers: ClinVar variation 1729931 (VCV001729931.2), dbSNP rs767841804, ClinGen allele CA8954988.

ClinVar aggregate classification (germline): Uncertain significance (1 of 4 stars; one submission).

Allele frequency attached by ClinVar (database versions not stated): gnomAD exomes 0.00001; TOPMed 0.00002; ExAC 0.00003; gnomAD 0.00003.
gnomAD v4.1: 19 of 1,604,938 alleles (0.0012%); highest among the groups gnomAD compares: South Asian, 0.0055%; no homozygotes.

Submission:

Ambry Genetics
Classification: Uncertain significance. Last evaluated: 2019-03-28. Review status: criteria provided, single submitter. Criteria: Ambry Variant Classification Scheme 2023. Collection method: clinical testing. Allele origin: germline.
Comment: The p.R110Q variant (also known as c.329G>A), located in coding exon 4 of the KATNAL2 gene, results from a G to A substitution at nucleotide position 329. The arginine at codon 110 is replaced by glutamine, an amino acid with highly similar properties. This amino acid position is not well conserved in available vertebrate species, and glutamine is the reference amino acid in other vertebrate species. In addition, this alteration is predicted to be tolerated by in silico analysis. Since supporting evidence is limited at this time, the clinical significance of this alteration remains unclear.